The following is an entry in ClinVar:

ClinVar aggregate classification (germline): Pathogenic/Likely pathogenic. Review status: criteria provided, multiple submitters, no conflicts (2 of 4 stars). 7 submissions from 6 submitters: Pathogenic (3); Likely pathogenic (4). Last evaluated 2026-04-07.

Conditions:
Joubert syndrome. Also called: Familial aplasia of the vermis; JOUBERT-BOLTSHAUSER SYNDROME. Identifiers: Orphanet 475, MedGen C5979921, MONDO:0018772.
Nephronophthisis. Also called: Juvenile Nephronophthisis. Identifiers: Orphanet 655, MedGen C0687120, MONDO:0019005, HP:0000090.
Meckel-Gruber syndrome. Also called: DYSENCEPHALIA SPLANCHNOCYSTICA; GRUBER SYNDROME; Dysencephalia splachnocystica. Identifiers: Orphanet 564, MedGen C0265215, MONDO:0018921.
Bardet-Biedl syndrome 14 (BBS14). Identifiers: Orphanet 110, MedGen C2673874, MONDO:0014442, OMIM 615991.
Meckel syndrome, type 4 (MKS4). Also called: MECKEL-GRUBER SYNDROME, TYPE 4. Identifiers: Orphanet 564, MedGen C1970161, MONDO:0012626, OMIM 611134.
Senior-Loken syndrome 6 (SLSN6). Identifiers: Orphanet 3156, MedGen C1857779, MONDO:0012433, OMIM 610189.
Leber congenital amaurosis 10 (LCA10). Identifiers: Orphanet 65, MedGen C1857821, MONDO:0012723, OMIM 611755.
Joubert syndrome 5 (JBTS5). Identifiers: Orphanet 2318, MedGen C1857780, MONDO:0012432, OMIM 610188.
CEP290-related ciliopathy. Also called: CEP290 ciliopathy. Identifiers: MedGen CN305601, MONDO:0100451.
CEP290-related disorder. Also called: CEP290-related disorders; CEP290-related condition. Identifiers: MedGen CN239314.
Leber congenital amaurosis (LCA). Also called: Leber's amaurosis. Identifiers: Orphanet 65, MedGen C0339527, MeSH D057130, MONDO:0018998.

Submissions (7):

Myriad Genetics, Inc.
Classification: Pathogenic for CEP290-related ciliopathy. Last evaluated: 2026-04-07. Review status: criteria provided, single submitter. Criteria: Myriad Autosomal Dominant, Autosomal Recessive and X-Linked Classification Criteria (2023). Collection method: clinical testing. Allele origin: unknown.
Comment: NM_025114.3(CEP290):c.2632delA(I878Yfs*14) is a frameshift variant classified as pathogenic in the context of CEP290-related disorders. I878Yfs*14 has not been observed in cases with relevant disease. Relevant functional assessments of this variant are not available in the literature. I878Yfs*14 has not been observed in referenced population frequency databases. In summary, NM_025114.3(CEP290):c.2632delA(I878Yfs*14) is a frameshift variant in a gene where loss of function is a known mechanism of disease and is predicted to disrupt protein function. Please note: this variant was assessed in the context of healthy population screening.

Natera, Inc.
Classification: Likely pathogenic for Leber congenital amaurosis. Last evaluated: 2024-11-12. Review status: criteria provided, single submitter. Criteria: Natera Variant Classification Schema (03/2026). Collection method: clinical testing. Allele origin: germline.
Comment: The c.2632del variant in CEP290 is a frameshift variant predicted to shift the reading frame beginning at codon 878 and leads to a stop codon 14 codons downstream. This variant is expected to result in nonsense mediated decay, truncation, or a dysfunctional protein product. This variant is rare in the general population with a frequency below the threshold expected for the associated phenotype(s). Given the available evidence, this variant is classified as Likely Pathogenic.

Labcorp Genetics (formerly Invitae), Labcorp
Classification: Pathogenic for Joubert syndrome; Meckel-Gruber syndrome; Nephronophthisis. Last evaluated: 2023-11-27. Review status: criteria provided, single submitter. Criteria: Invitae Variant Classification Sherloc (09022015). Collection method: clinical testing. Allele origin: germline.
Comment: This sequence change creates a premature translational stop signal (p.Ile878Tyrfs*14) in the CEP290 gene. It is expected to result in an absent or disrupted protein product. Loss-of-function variants in CEP290 are known to be pathogenic (PMID: 16909394, 17345604, 20690115). This variant is not present in population databases (gnomAD no frequency). This variant has not been reported in the literature in individuals affected with CEP290-related conditions. ClinVar contains an entry for this variant (Variation ID: 1032903). For these reasons, this variant has been classified as Pathogenic.

Baylor Genetics
Classification: Likely pathogenic for Bardet-Biedl syndrome 14. Last evaluated: 2023-10-20. Review status: criteria provided, single submitter. Criteria: ACMG Guidelines, 2015. Collection method: clinical testing. Allele origin: unknown.

PreventionGenetics, part of Exact Sciences
Classification: Likely pathogenic for CEP290-related condition. Last evaluated: 2023-05-30. Review status: criteria provided, single submitter. Criteria: ACMG Guidelines, 2015. Collection method: clinical testing. Allele origin: germline.
Comment: The CEP290 c.2632delA variant is predicted to result in a frameshift and premature protein termination (p.Ile878Tyrfs*14). To our knowledge, this variant has not been reported in the literature or in a large population database, indicating this variant is rare. Frameshift variants in CEP290 are expected to be pathogenic. This variant is interpreted as likely pathogenic.

Fulgent Genetics
Classification: Likely pathogenic for Joubert syndrome 5; Senior-Loken syndrome 6; Meckel syndrome, type 4; Leber congenital amaurosis 10; Bardet-Biedl syndrome 14. Last evaluated: 2021-11-22. Review status: criteria provided, single submitter. Criteria: ACMG Guidelines, 2015. Collection method: clinical testing. Allele origin: unknown.

Baylor Genetics
Classification: Pathogenic for Senior-Loken syndrome 6. Last evaluated: 2018-05-22. Review status: criteria provided, single submitter. Criteria: ACMG Guidelines, 2015. Collection method: clinical testing. Allele origin: paternal. Affected: yes.
Comment: This variant was determined to be pathogenic according to ACMG Guidelines, 2015 [PMID:25741868].

Literature cited by the submitters: PubMed 16909394 (cited by Labcorp Genetics (formerly Invitae), Labcorp); PubMed 17345604 (cited by Labcorp Genetics (formerly Invitae), Labcorp); PubMed 20690115 (cited by Labcorp Genetics (formerly Invitae), Labcorp).

NM_025114.4(CEP290):c.2632del (p.Ile878fs)

Gene: CEP290 (centrosomal protein 290; minus strand). Cytogenetic location: 12q21.32.
Variant type: Deletion.
Coding change: c.2632del on transcript NM_025114.4 (MANE Select); coding-DNA position 2632, one base deleted (A; older notation c.2632delA).
Protein change: p.Ile878fs; shifts the reading frame from isoleucine 878.
Molecular consequence: frameshift variant.
Genome position (GRCh38, 1-based): chr12:88,106,860, T deleted on the plus strand (A on the coding strand, the reverse complement: CEP290 is on the minus strand); the first of 7 consecutive T bases (chr12:88,106,860-88,106,866); deleting any one gives the same sequence. VCF-style (leftmost placement, unchanged base first): chr12-88106859-AT-A. GRCh37 (hg19) VCF-style: chr12-88500636-AT-A.
Other names: c.2632del (NM_025114.3); short protein forms I878fs.
Identifiers: ClinVar variation 1032903 (VCV001032903.13), dbSNP rs1404507934, ClinGen allele CA2052917482.
Genomic context (GRCh38, chr12:88,106,859, plus strand): 5'-CTTATAAGTGATTTTTCATTCACTTGCAAAACAGTAATTTTCCTACTATTTTCTGCAAGT[AT>A]TTTTTTCATTTCATCCGAATCCATCTGAAGAGCATTGAGCAAATTCTGCACAAAGACACA-3'